The following is an entry in ClinVar:

NM_005219.5(DIAPH1):c.503T>C (p.Leu168Pro)

Gene: DIAPH1 (diaphanous related formin 1; minus strand). Cytogenetic location: 5q31.3.
Variant type: single nucleotide variant.
Coding change: c.503T>C on transcript NM_005219.5 (MANE Select); coding-DNA position 503, T replaced by C.
Protein change: p.Leu168Pro; replaces leucine 168 with proline.
Molecular consequence: missense variant.
Genome position (GRCh38, 1-based): chr5:141,583,515, A>G on the plus strand (T>C on the coding strand, the complement: DIAPH1 is on the minus strand). VCF-style: chr5-141583515-A-G. GRCh37 (hg19) VCF-style: chr5-140963082-A-G.
Other names: c.476T>C, p.Leu159Pro (NM_001079812.3); c.503T>C, p.Leu168Pro (NM_001314007.2); short protein forms L159P, L168P.
Identifiers: ClinVar variation 1701487 (VCV001701487.31), dbSNP rs2154596602, ClinGen allele CA361541673.

ClinVar aggregate classification (germline): Uncertain significance (1 of 4 stars; one submission).

Submission:

CeGaT Center for Human Genetics Tuebingen
Classification: Uncertain significance. Last evaluated: 2022-07-01. Review status: criteria provided, single submitter. Criteria: CeGaT Center For Human Genetics Tuebingen Variant Classification Criteria Version 2. Collection method: clinical testing. Allele origin: germline. Affected: yes. Observed: 1 variant allele.
Comment: DIAPH1: PM2, PP3